The following is an entry in ClinVar:

ClinVar aggregate classification (germline): Pathogenic/Likely pathogenic. Review status: criteria provided, multiple submitters, no conflicts (2 of 4 stars). 2 submissions from 2 submitters: Pathogenic (1); Likely pathogenic (1). Last evaluated 2024-09-12.

Conditions:
Landau-Kleffner syndrome (FESD). Also called: EPILEPSY, FOCAL, WITH SPEECH DISORDER AND WITH OR WITHOUT MENTAL RETARDATION; APHASIA, ACQUIRED, WITH EPILEPSY. Identifiers: Orphanet 1945, Orphanet 725, Orphanet 98818, MedGen C0282512, MONDO:0009509, OMIM 245570.
GRIN2A-Related Disorders. Identifiers: MedGen CN381066.

Allele frequency attached by ClinVar (database versions not stated): gnomAD exomes below 0.00001.
gnomAD v4.1: 1 of 1,601,044 alleles (0.000062%); highest among the groups gnomAD compares: Non-Finnish European, 0.000086%; no homozygotes.

Submissions (2):

Blueprint Genetics
Classification: Likely pathogenic for GRIN2A-related disorders. Last evaluated: 2024-09-12. Review status: criteria provided, single submitter. Criteria: ACMG Guidelines, 2015. Collection method: clinical testing. Allele origin: germline. Affected: yes. Observed: 1 variant allele.

Labcorp Genetics (formerly Invitae), Labcorp
Classification: Pathogenic for Landau-Kleffner syndrome. Last evaluated: 2021-05-10. Review status: criteria provided, single submitter. Criteria: Invitae Variant Classification Sherloc (09022015). Collection method: clinical testing. Allele origin: germline.
Comment: For these reasons, this variant has been classified as Pathogenic. This variant has not been reported in the literature in individuals with GRIN2A-related conditions. This variant is not present in population databases (ExAC no frequency). This sequence change creates a premature translational stop signal (p.Trp372*) in the GRIN2A gene. It is expected to result in an absent or disrupted protein product. Loss-of-function variants in GRIN2A are known to be pathogenic (PMID: 23933819, 23933820).

Literature cited by the submitters: PubMed 23933819 (cited by Labcorp Genetics (formerly Invitae), Labcorp); PubMed 23933820 (cited by Labcorp Genetics (formerly Invitae), Labcorp).

NM_001134407.3(GRIN2A):c.1115G>A (p.Trp372Ter)

Gene: GRIN2A (glutamate ionotropic receptor NMDA type subunit 2A; minus strand). Cytogenetic location: 16p13.2.
Variant type: single nucleotide variant.
Coding change: c.1115G>A on transcript NM_001134407.3 (MANE Select); coding-DNA position 1115, G replaced by A.
Protein change: p.Trp372Ter; replaces tryptophan 372 with a stop codon.
Molecular consequence: nonsense.
Genome position (GRCh38, 1-based): chr16:9,890,993, C>T on the plus strand (G>A on the coding strand, the complement: GRIN2A is on the minus strand). VCF-style: chr16-9890993-C-T. GRCh37 (hg19) VCF-style: chr16-9984850-C-T.
Other names: c.1115G>A, p.Trp372Ter (NM_000833.5, NM_001134408.2); short protein forms W372*.
Identifiers: ClinVar variation 1076203 (VCV001076203.6), dbSNP rs1555501093, ClinGen allele CA394797387.
Genomic context (GRCh38, chr16:9,890,993, plus strand): 5'-ATTGCCCATGCTTTCTTCCCTCCCCTGCATTCAGCACACAGAAGGATGCTCACCTTTTCC[C>T]ATTCCCGGTCTTTGTTCAGCACAATCACCACCAGCCTGGGGTGCACCTGGTAGCCTTCCT-3'